The following is an entry in ClinVar:

NM_001367721.1(CASK):c.2520+1468G>A

Gene: CASK (calcium/calmodulin dependent serine protein kinase; minus strand). Cytogenetic location: Xp11.4.
Variant type: single nucleotide variant.
Coding change: c.2520+1468G>A on transcript NM_001367721.1 (MANE Select); 1468 bases into the intron after coding-DNA position 2520, G replaced by A.
Molecular consequence: intron variant.
Genome position (GRCh38, 1-based): chrX:41,529,539, C>T on the plus strand (G>A on the coding strand, the complement: CASK is on the minus strand). VCF-style: chrX-41529539-C-T. GRCh37 (hg19) VCF-style: chrX-41388792-C-T.
Other names: c.2433+1468G>A (NM_001126055.3); c.2502+1468G>A (NM_001410745.1); c.2436+1468G>A (NM_001126054.3); c.2505+1468G>A (NM_003688.4).
Identifiers: ClinVar variation 2660346 (VCV002660346.24), dbSNP rs891710906, ClinGen allele CA329228072.
Genomic context (GRCh38, chrX:41,529,539, plus strand): 5'-AGGGAGTCTGAGGAGCCCTGCAGCCAGCATACTGCTAGAGACATTACTACCAGCAGAAAA[C>T]GACGTTCAGGTGAAGACCAGTGTGGAACCCAAGGAGAGGATGTCGAAGACCAGGACCAGG-3'

ClinVar aggregate classification (germline): Likely benign (1 of 4 stars; one submission).

Allele frequency attached by ClinVar (database versions not stated): TOPMed 0.00031; gnomAD 0.00041.

Submission:

CeGaT Center for Human Genetics Tuebingen
Classification: Likely benign. Last evaluated: 2026-07-01. Review status: criteria provided, single submitter. Criteria: CeGaT Center For Human Genetics Tuebingen Variant Classification Criteria Version 2. Collection method: clinical testing. Allele origin: germline. Affected: yes. Observed: 3 variant alleles.
Comment: CASK: BS2